The following is an entry in ClinVar:

ClinVar aggregate classification (germline): Uncertain significance (1 of 4 stars; one submission).

Conditions:
Guillain-Barre syndrome, familial (GBS). Identifiers: Orphanet 98916, MedGen C4083008, MONDO:0007691, OMIM 139393.
Hereditary liability to pressure palsies (HNPP). Also called: POLYNEUROPATHY, FAMILIAL RECURRENT; TOMACULOUS NEUROPATHY; Hereditary Neuropathy with Liability to Pressure Palsies. Identifiers: Orphanet 640, MedGen C0393814, MONDO:0008087, OMIM 162500.
Dejerine-Sottas disease. Also called: HMSN Type III; Hereditary motor and sensory neuropathy 3; Charcot-Marie-Tooth disease type 3; DEJERINE-SOTTAS NEUROPATHY; HEREDITARY MOTOR AND SENSORY NEUROPATHY TYPE III. Identifiers: Orphanet 64748, MedGen C0011195, MONDO:0007790, OMIM 145900.
Roussy-Lévy syndrome. Also called: Roussy-Levy Syndrome; Roussy Levy hereditary areflexic dystasia; Roussy-Levy disease; Hereditary areflexic dystasia. Identifiers: Orphanet 3115, MedGen C0205713, MONDO:0008392, OMIM 180800.
Charcot-Marie-Tooth disease type 1E. Also called: Charcot-Marie-Tooth Neuropathy Type 1E; Charcot-Marie-Tooth disease and deafness; CHARCOT-MARIE-TOOTH DISEASE, DEMYELINATING, TYPE 1E; CHARCOT-MARIE-TOOTH NEUROPATHY AND DEAFNESS, AUTOSOMAL DOMINANT. Identifiers: Orphanet 90658, MedGen C3495591, MONDO:0007311, OMIM 118300.
Charcot-Marie-Tooth disease, type IA (CMT1A). Also called: CHARCOT-MARIE-TOOTH DISEASE, DEMYELINATING, TYPE 1A; Charcot-Marie-Tooth disease type 1A; CMT 1A; Hereditary motor and sensory neuropathy 1A; HMSN 1A; CHARCOT-MARIE-TOOTH DISEASE, AUTOSOMAL DOMINANT, WITH FOCALLY FOLDED MYELIN SHEATHS, TYPE 1A. Identifiers: Orphanet 101081, MedGen C0270911, MONDO:0007309, OMIM 118220.

Allele frequency attached by ClinVar (database versions not stated): gnomAD exomes below 0.00001.
gnomAD v4.1: 1 of 1,614,062 alleles (0.000062%); highest among the groups gnomAD compares: Non-Finnish European, 0.000085%; no homozygotes.

Submission:

Athena Diagnostics
Classification: Uncertain significance. Last evaluated: 2018-02-16. Review status: criteria provided, single submitter. Criteria: Athena Diagnostics Criteria. Collection method: clinical testing. Allele origin: germline.

NM_000304.4(PMP22):c.362A>G (p.His121Arg)

Gene: PMP22 (peripheral myelin protein 22; minus strand). Cytogenetic location: 17p12.
Variant type: single nucleotide variant.
Coding change: c.362A>G on transcript NM_000304.4 (MANE Select); coding-DNA position 362, A replaced by G.
Protein change: p.His121Arg; replaces histidine 121 with arginine.
Molecular consequence: missense variant. On other transcripts: non-coding transcript variant (2).
Genome position (GRCh38, 1-based): chr17:15,231,038, T>C on the plus strand (A>G on the coding strand, the complement: PMP22 is on the minus strand). VCF-style: chr17-15231038-T-C. GRCh37 (hg19) VCF-style: chr17-15134355-T-C.
Other names: c.362A>G, p.His121Arg (NM_001281455.2, NM_001281456.2, NM_153321.3 and 1 more transcripts); short protein forms H121R.
Identifiers: ClinVar variation 586345 (VCV000586345.3), dbSNP rs1567698985, ClinGen allele CA398739730.